The following is an entry in ClinVar:

NM_001291303.3(FAT4):c.14725G>A (p.Ala4909Thr)

Gene: FAT4 (FAT atypical cadherin 4; plus strand). Cytogenetic location: 4q28.1.
Variant type: single nucleotide variant.
Coding change: c.14725G>A on transcript NM_001291303.3 (MANE Select); coding-DNA position 14725, G replaced by A.
Protein change: p.Ala4909Thr; replaces alanine 4909 with threonine.
Molecular consequence: missense variant.
Genome position (GRCh38, 1-based): chr4:125,491,541, G>A. VCF-style: chr4-125491541-G-A. GRCh37 (hg19) VCF-style: chr4-126412696-G-A.
Other names: c.14722G>A, p.Ala4908Thr (NM_001291285.3); c.14719G>A, p.Ala4907Thr (NM_024582.6); short protein forms A4907T, A4908T, A4909T.
Identifiers: ClinVar variation 1940878 (VCV001940878.5), dbSNP rs2530092295, ClinGen allele CA358143380.

ClinVar aggregate classification (germline): Uncertain significance (1 of 4 stars; one submission).

Submission:

Labcorp Genetics (formerly Invitae), Labcorp
Classification: Uncertain significance. Last evaluated: 2022-01-26. Review status: criteria provided, single submitter. Criteria: Invitae Variant Classification Sherloc (09022015). Collection method: clinical testing. Allele origin: germline.
Comment: In summary, the available evidence is currently insufficient to determine the role of this variant in disease. Therefore, it has been classified as a Variant of Uncertain Significance. Advanced modeling of protein sequence and biophysical properties (such as structural, functional, and spatial information, amino acid conservation, physicochemical variation, residue mobility, and thermodynamic stability) performed at Invitae indicates that this missense variant is not expected to disrupt FAT4 protein function. This variant has not been reported in the literature in individuals affected with FAT4-related conditions. This variant is not present in population databases (gnomAD no frequency). This sequence change replaces alanine, which is neutral and non-polar, with threonine, which is neutral and polar, at codon 4907 of the FAT4 protein (p.Ala4907Thr).